The following is an entry in ClinVar:

NM_201596.3(CACNB2):c.1840C>T (p.Arg614Ter)

Gene: CACNB2 (calcium voltage-gated channel auxiliary subunit beta 2; plus strand). Cytogenetic location: 10p12.31.
Variant type: single nucleotide variant.
Coding change: c.1840C>T on transcript NM_201596.3 (MANE Select); coding-DNA position 1840, C replaced by T.
Protein change: p.Arg614Ter; replaces arginine 614 with a stop codon.
Molecular consequence: nonsense.
Genome position (GRCh38, 1-based): chr10:18,539,581, C>T. VCF-style: chr10-18539581-C-T. GRCh37 (hg19) VCF-style: chr10-18828510-C-T.
Other names: c.1675C>T, p.Arg559Ter (NM_000724.4); c.1642C>T, p.Arg548Ter (NM_001167945.2); c.1561C>T, p.Arg521Ter (NM_001330060.2); c.1696C>T, p.Arg566Ter (NM_201570.3); c.1756C>T, p.Arg586Ter (NM_201571.4); c.1684C>T, p.Arg562Ter (NM_201572.4); c.1678C>T, p.Arg560Ter (NM_201590.3); c.1726C>T, p.Arg576Ter (NM_201593.3); and 1 more; short protein forms R521*, R566*, R576*, R590*, R548*, R559*, R562*, R586*.
Identifiers: ClinVar variation 835428 (VCV000835428.12), dbSNP rs775467558, ClinGen allele CA5430183.
Genomic context (GRCh38, chr10:18,539,581, plus strand): 5'-ACCCACGGGAGCAGTGACCACAGACACAGGGAGTCCCGGCACCGTTCCCGGGACGTGGAT[C>T]GAGAGCAGGACCACAACGAGTGCAACAAGCAGCGCAGCCGTCATAAATCCAAGGATCGCT-3'

ClinVar aggregate classification (germline): Uncertain significance. Review status: criteria provided, multiple submitters, no conflicts (2 of 4 stars). 3 submissions from 3 submitters: Uncertain significance (3). Last evaluated 2023-04-24.

Conditions:
Brugada syndrome 4 (BRGDA4). Identifiers: Orphanet 130, MedGen C2678477, MONDO:0012743, OMIM 611876.
Cardiovascular phenotype. Identifiers: MedGen CN230736.

Allele frequency attached by ClinVar (database versions not stated): ExAC 0.00001; gnomAD 0.00001; TOPMed 0.00001; gnomAD exomes 0.00002.
gnomAD v4.1: 21 of 1,613,514 alleles (0.0013%); highest among the groups gnomAD compares: South Asian, 0.0055%; no homozygotes.

Submissions (3):

Labcorp Genetics (formerly Invitae), Labcorp
Classification: Uncertain significance for Brugada syndrome 4. Last evaluated: 2023-04-24. Review status: criteria provided, single submitter. Criteria: Invitae Variant Classification Sherloc (09022015). Collection method: clinical testing. Allele origin: germline.
Comment: This variant is present in population databases (rs775467558, gnomAD 0.01%). In summary, the available evidence is currently insufficient to determine the role of this variant in disease. Therefore, it has been classified as a Variant of Uncertain Significance. Experimental studies and prediction algorithms are not available or were not evaluated, and the functional significance of this variant is currently unknown. ClinVar contains an entry for this variant (Variation ID: 835428). This variant has not been reported in the literature in individuals affected with CACNB2-related conditions. This sequence change creates a premature translational stop signal (p.Arg560*) in the CACNB2 gene. While this is not anticipated to result in nonsense mediated decay, it is expected to disrupt the last 47 amino acid(s) of the CACNB2 protein.

AiLife Diagnostics
Classification: Uncertain significance. Last evaluated: 2021-11-21. Review status: criteria provided, single submitter. Criteria: ACMG Guidelines, 2015. Collection method: clinical testing. Allele origin: germline. Affected: yes. Observed: 1 variant allele.

Ambry Genetics
Classification: Uncertain significance for Cardiovascular phenotype. Last evaluated: 2021-05-05. Review status: criteria provided, single submitter. Criteria: Ambry Variant Classification Scheme 2023. Collection method: clinical testing. Allele origin: germline.
Comment: The p.R560* variant (also known as c.1678C>T), located in coding exon 13 of the CACNB2 gene, results from a C to T substitution at nucleotide position 1678. This changes the amino acid from an arginine to a stop codon within coding exon 13. Premature stop codons are typically deleterious in nature; however, this alteration occurs at the 3' terminus of theCACNB2 gene, is not expected to trigger nonsense-mediated mRNAdecay, and only impacts the last 47 amino acids of the protein. Additionally, loss of function of CACNB2 has not been clearly established as a mechanism of disease. The exact functional effect of this alteration is unknown. Since supporting evidence is limited at this time, the clinical significance of this alteration remains unclear.